The following is an entry in ClinVar:

ClinVar aggregate classification (germline): Uncertain significance. Review status: criteria provided, multiple submitters, no conflicts (2 of 4 stars). 3 submissions from 3 submitters: Uncertain significance (3). Last evaluated 2025-08-08.

Conditions:
Inborn genetic diseases. Identifiers: MedGen C0950123, MeSH D030342.
Eichsfeld type congenital muscular dystrophy (CMYO3). Also called: Rigid spine muscular dystrophy 1; SELENON-related myopathy; Congenital myopathy 3 with rigid spine; MYOPATHY, SEPN1-RELATED. Identifiers: MedGen C0410180, MONDO:0100100, OMIM 602771.

Allele frequency attached by ClinVar (database versions not stated): gnomAD exomes 0.00001 and 0.00002; gnomAD 0.00001; ExAC 0.00001; TOPMed 0.00002.

Submissions (3):

Ambry Genetics
Classification: Uncertain significance for Inborn genetic diseases. Last evaluated: 2025-08-08. Review status: criteria provided, single submitter. Criteria: Ambry Variant Classification Scheme 2023. Collection method: clinical testing. Allele origin: germline.

Labcorp Genetics (formerly Invitae), Labcorp
Classification: Uncertain significance for Eichsfeld type congenital muscular dystrophy. Last evaluated: 2022-04-15. Review status: criteria provided, single submitter. Criteria: Invitae Variant Classification Sherloc (09022015). Collection method: clinical testing. Allele origin: germline.
Comment: This sequence change replaces alanine, which is neutral and non-polar, with valine, which is neutral and non-polar, at codon 194 of the SELENON protein (p.Ala194Val). This variant is present in population databases (rs727504148, gnomAD 0.006%). This variant has not been reported in the literature in individuals affected with SELENON-related conditions. ClinVar contains an entry for this variant (Variation ID: 167674). Algorithms developed to predict the effect of missense changes on protein structure and function are either unavailable or do not agree on the potential impact of this missense change (SIFT: "Tolerated"; PolyPhen-2: "Benign"; Align-GVGD: "Class C25"). In summary, the available evidence is currently insufficient to determine the role of this variant in disease. Therefore, it has been classified as a Variant of Uncertain Significance.

Eurofins Ntd Llc (ga)
Classification: Uncertain significance. Last evaluated: 2014-01-06. Review status: criteria provided, single submitter. Criteria: EGL Classification Definitions 2015. Collection method: clinical testing. Allele origin: germline. Observed: 1 variant allele, 1 heterozygote.

NM_206926.2(SELENON):c.479C>T (p.Ala160Val)

Gene: SELENON (selenoprotein N; plus strand). Cytogenetic location: 1p36.11.
Variant type: single nucleotide variant.
Coding change: c.479C>T on transcript NM_206926.2 (MANE Select); coding-DNA position 479, C replaced by T.
Protein change: p.Ala160Val; replaces alanine 160 with valine.
Molecular consequence: missense variant.
Genome position (GRCh38, 1-based): chr1:25,808,623, C>T. VCF-style: chr1-25808623-C-T. GRCh37 (hg19) VCF-style: chr1-26135114-C-T.
Other names: c.581C>T, p.Ala194Val (NM_020451.3); short protein forms A194V, A160V.
Identifiers: ClinVar variation 167674 (VCV000167674.14), dbSNP rs727504148, ClinGen allele CA234918.